The following is an entry in ClinVar:

NR_199791.1(RNU2-2):n.113G>A

Genes: RNU2-2 (RNA, U2 small nuclear 2; minus strand), WDR74 (WD repeat domain 74; minus strand). Cytogenetic location: 11q12.3.
Variant type: single nucleotide variant.
Molecular consequence: non-coding transcript variant (on NR_199791.1). On other transcripts: 5 prime UTR variant (1).
Genome position: GRCh38 VCF-style: chr11-62841697-C-T. GRCh37 (hg19) VCF-style: chr11-62609169-C-T.
Other names: c.-426G>A (NM_001369451.1).
Identifiers: ClinVar variation 4540512 (VCV004540512.1).

ClinVar aggregate classification (germline): Uncertain significance (1 of 4 stars; one submission).

gnomAD v4.1: 106 of 152,324 alleles (0.07%); highest among the groups gnomAD compares: East Asian, 0.097%; no homozygotes.

Submission:

Institute for Human Genetics, University Hospital Essen
Classification: Uncertain significance. Last evaluated: 2025-11-27. Review status: criteria provided, single submitter. Criteria: Submitter's publication. Collection method: clinical testing. Allele origin: germline. Inheritance: Autosomal unknown. Affected: yes. Observed: 2 variant alleles, 2 compound heterozygotes.
Comment: PM1_supp, PM3, PP1 (criteria rationale detailed in Leitão et al. Nature Genetics 2026)